The following is an entry in ClinVar:

NM_033026.6(PCLO):c.15079A>G (p.Ile5027Val)

Gene: PCLO (piccolo presynaptic cytomatrix protein; minus strand). Cytogenetic location: 7q21.11.
Variant type: single nucleotide variant.
Coding change: c.15079A>G on transcript NM_033026.6 (MANE Select); coding-DNA position 15079, A replaced by G.
Protein change: p.Ile5027Val; replaces isoleucine 5027 with valine.
Molecular consequence: missense variant.
Genome position (GRCh38, 1-based): chr7:82,761,422, T>C on the plus strand (A>G on the coding strand, the complement: PCLO is on the minus strand). VCF-style: chr7-82761422-T-C. GRCh37 (hg19) VCF-style: chr7-82390738-T-C.
Other names: c.15079A>G (NM_033026.5); short protein forms I5027V.
Identifiers: ClinVar variation 1380370 (VCV001380370.6), dbSNP rs753113921, ClinGen allele CA4318625.

ClinVar aggregate classification (germline): Uncertain significance. Review status: criteria provided, multiple submitters, no conflicts (2 of 4 stars). 2 submissions from 2 submitters: Uncertain significance (2). Last evaluated 2024-01-23.

Conditions:
Inborn genetic diseases. Identifiers: MedGen C0950123, MeSH D030342.

Allele frequency attached by ClinVar (database versions not stated): gnomAD exomes 0.00001 and 0.00003; gnomAD 0.00002; TOPMed 0.00002; ExAC 0.00008.
gnomAD v4.1: 19 of 1,573,110 alleles (0.0012%); highest among the groups gnomAD compares: Admixed American, 0.014%; no homozygotes.

Submissions (2):

Ambry Genetics
Classification: Uncertain significance for Inborn genetic diseases. Last evaluated: 2024-01-23. Review status: criteria provided, single submitter. Criteria: Ambry Variant Classification Scheme 2023. Collection method: clinical testing. Allele origin: germline.

Labcorp Genetics (formerly Invitae), Labcorp
Classification: Uncertain significance. Last evaluated: 2022-07-26. Review status: criteria provided, single submitter. Criteria: Invitae Variant Classification Sherloc (09022015). Collection method: clinical testing. Allele origin: germline.
Comment: This sequence change replaces isoleucine, which is neutral and non-polar, with valine, which is neutral and non-polar, at codon 5027 of the PCLO protein (p.Ile5027Val). This variant is present in population databases (rs753113921, gnomAD 0.02%). This variant has not been reported in the literature in individuals affected with PCLO-related conditions. ClinVar contains an entry for this variant (Variation ID: 1380370). Algorithms developed to predict the effect of missense changes on protein structure and function output the following: SIFT: "Tolerated"; PolyPhen-2: "Not Available"; Align-GVGD: "Class C0". The valine amino acid residue is found in multiple mammalian species, which suggests that this missense change does not adversely affect protein function. In summary, the available evidence is currently insufficient to determine the role of this variant in disease. Therefore, it has been classified as a Variant of Uncertain Significance.